The following is an entry in ClinVar:

NM_015021.3(ZNF292):c.3177T>C (p.Asn1059=)

Gene: ZNF292 (zinc finger protein 292; plus strand). Cytogenetic location: 6q14.3.
Variant type: single nucleotide variant.
Coding change: c.3177T>C on transcript NM_015021.3 (MANE Select); coding-DNA position 3177, T replaced by C.
Protein change: p.Asn1059=; no amino-acid change (asparagine 1059 retained).
Molecular consequence: synonymous variant.
Genome position (GRCh38, 1-based): chr6:87,256,806, T>C. VCF-style: chr6-87256806-T-C. GRCh37 (hg19) VCF-style: chr6-87966524-T-C.
Other names: c.2757T>C, p.Asn919= (NM_001351444.2).
Identifiers: ClinVar variation 1711635 (VCV001711635.30), dbSNP rs143504993, ClinGen allele CA3914074.

ClinVar aggregate classification (germline): Benign (1 of 4 stars; one submission).

Allele frequency attached by ClinVar (database versions not stated): 1000 Genomes Project 0.00180; 1000 Genomes Project 30x 0.00187; ExAC 0.00408; TOPMed 0.00421; gnomAD 0.00451; ESP Exome Variant Server 0.00472; gnomAD exomes 0.00700.
gnomAD v4.1: 10,761 of 1,613,528 alleles (0.67%); highest among the groups gnomAD compares: Non-Finnish European, 0.83%; 49 homozygotes.

Submission:

CeGaT Center for Human Genetics Tuebingen
Classification: Benign. Last evaluated: 2026-09-01. Review status: criteria provided, single submitter. Criteria: CeGaT Center For Human Genetics Tuebingen Variant Classification Criteria Version 2. Collection method: clinical testing. Allele origin: germline. Affected: yes. Observed: 31 variant alleles.
Comment: ZNF292: BP4, BP7, BS1, BS2